The following is an entry in ClinVar:

NM_006767.4(LZTR1):c.713A>T (p.Asp238Val)

Gene: LZTR1 (leucine zipper like post translational regulator 1; plus strand). Cytogenetic location: 22q11.21.
Variant type: single nucleotide variant.
Coding change: c.713A>T on transcript NM_006767.4 (MANE Select); coding-DNA position 713, A replaced by T.
Protein change: p.Asp238Val; replaces aspartic acid 238 with valine.
Molecular consequence: missense variant.
Genome position (GRCh38, 1-based): chr22:20,990,447, A>T. VCF-style: chr22-20990447-A-T. GRCh37 (hg19) VCF-style: chr22-21344736-A-T.
Other names: short protein forms D238V.
Identifiers: ClinVar variation 3238330 (VCV003238330.1), dbSNP rs2518615765.
Genomic context (GRCh38, chr22:20,990,447, plus strand): 5'-TGGCCCAGAGTGGCGAGATCCCCCCATCTTGCTGCAACTTCCCCGTGGCTGTGTGCCGGG[A>T]CAAGATGTTTGTATTCTCTGGGCAAAGCGGAGCCAAAATAACCAACAACCTCTTCCAGTT-3'
Protein context (NP_006758.2, residues 228-248): CCNFPVAVCR[Asp238Val]KMFVFSGQSG

ClinVar aggregate classification (germline): Uncertain significance (1 of 4 stars; one submission).

Conditions:
Hereditary cancer-predisposing syndrome. Also called: Neoplastic Syndromes, Hereditary; Tumor predisposition; Hereditary neoplastic syndrome; Hereditary Cancer Syndrome. Identifiers: Orphanet 140162, MedGen C0027672, MeSH D009386, MONDO:0015356.
Cardiovascular phenotype. Identifiers: MedGen CN230736.

Submission:

Ambry Genetics
Classification: Uncertain significance for Cardiovascular phenotype; Hereditary cancer-predisposing syndrome. Last evaluated: 2023-08-13. Review status: criteria provided, single submitter. Criteria: Ambry Variant Classification Scheme 2023. Collection method: clinical testing. Allele origin: germline.
Comment: The p.D238V variant (also known as c.713A>T), located in coding exon 8 of the LZTR1 gene, results from an A to T substitution at nucleotide position 713. The aspartic acid at codon 238 is replaced by valine, an amino acid with highly dissimilar properties. This amino acid position is conserved. In addition, this alteration is predicted to be deleterious by in silico analysis. Since supporting evidence is limited at this time, the clinical significance of this alteration remains unclear.